The following is an entry in ClinVar:

ClinVar aggregate classification (germline): Uncertain significance. Review status: criteria provided, multiple submitters, no conflicts (2 of 4 stars). 2 submissions from 2 submitters: Uncertain significance (2). Last evaluated 2024-04-14.

Conditions:
Hereditary cancer-predisposing syndrome. Also called: Hereditary neoplastic syndrome; Neoplastic Syndromes, Hereditary; Tumor predisposition; Hereditary Cancer Syndrome. Identifiers: Orphanet 140162, MedGen C0027672, MeSH D009386, MONDO:0015356.

Allele frequency attached by ClinVar (database versions not stated): gnomAD exomes below 0.00001; TOPMed below 0.00001; gnomAD 0.00001.
gnomAD v4.1: 4 of 1,613,990 alleles (0.00025%); highest among the groups gnomAD compares: Non-Finnish European, 0.00034%; no homozygotes.

Submissions (2):

Ambry Genetics
Classification: Uncertain significance for Hereditary cancer-predisposing syndrome. Last evaluated: 2024-04-14. Review status: criteria provided, single submitter. Criteria: Ambry Variant Classification Scheme 2023. Collection method: clinical testing. Allele origin: germline.
Comment: The p.E425G variant (also known as c.1274A>G), located in coding exon 8 of the MSH3 gene, results from an A to G substitution at nucleotide position 1274. The glutamic acid at codon 425 is replaced by glycine, an amino acid with similar properties. This amino acid position is conserved. In addition, this alteration is predicted to be deleterious by in silico analysis. Since supporting evidence is limited at this time, the clinical significance of this alteration remains unclear.

Labcorp Genetics (formerly Invitae), Labcorp
Classification: Uncertain significance. Last evaluated: 2022-01-06. Review status: criteria provided, single submitter. Criteria: Invitae Variant Classification Sherloc (09022015). Collection method: clinical testing. Allele origin: germline.
Comment: This sequence change replaces glutamic acid, which is acidic and polar, with glycine, which is neutral and non-polar, at codon 425 of the MSH3 protein (p.Glu425Gly). This variant is not present in population databases (gnomAD no frequency). This variant has not been reported in the literature in individuals affected with MSH3-related conditions. ClinVar contains an entry for this variant (Variation ID: 836748). Algorithms developed to predict the effect of missense changes on protein structure and function (SIFT, PolyPhen-2, Align-GVGD) all suggest that this variant is likely to be disruptive. In summary, the available evidence is currently insufficient to determine the role of this variant in disease. Therefore, it has been classified as a Variant of Uncertain Significance.

NM_002439.5(MSH3):c.1274A>G (p.Glu425Gly)

Gene: MSH3 (mutS homolog 3; plus strand). Cytogenetic location: 5q14.1.
Variant type: single nucleotide variant.
Coding change: c.1274A>G on transcript NM_002439.5 (MANE Select); coding-DNA position 1274, A replaced by G.
Protein change: p.Glu425Gly; replaces glutamic acid 425 with glycine.
Molecular consequence: missense variant.
Genome position (GRCh38, 1-based): chr5:80,679,027, A>G. VCF-style: chr5-80679027-A-G. GRCh37 (hg19) VCF-style: chr5-79974846-A-G.
Other names: short protein forms E425G.
Identifiers: ClinVar variation 836748 (VCV000836748.13), dbSNP rs1273708265, ClinGen allele CA360269023.